The following is an entry in ClinVar:

NM_052947.4(ALPK2):c.4453G>C (p.Glu1485Gln)

Genes: ALPK2 (alpha kinase 2; minus strand), LOC126862764 (BRD4-independent group 4 enhancer GRCh37_chr18:56202574-56203773; plus strand). Cytogenetic location: 18q21.31.
Variant type: single nucleotide variant.
Coding change: c.4453G>C on transcript NM_052947.4 (MANE Select); coding-DNA position 4453, G replaced by C.
Protein change: p.Glu1485Gln; replaces glutamic acid 1485 with glutamine.
Molecular consequence: missense variant.
Genome position (GRCh38, 1-based): chr18:58,535,734, C>G on the plus strand (G>C on the coding strand, the complement: ALPK2 is on the minus strand). VCF-style: chr18-58535734-C-G. GRCh37 (hg19) VCF-style: chr18-56202966-C-G.
Other names: short protein forms E1485Q.
Identifiers: ClinVar variation 1740721 (VCV001740721.3), dbSNP rs146029361, ClinGen allele CA402562388.

ClinVar aggregate classification (germline): Uncertain significance (1 of 4 stars; one submission).

gnomAD v4.1: 3 of 1,614,102 alleles (0.00019%); highest among the groups gnomAD compares: African/African-American, 0.004%; no homozygotes.

Submission:

Ambry Genetics
Classification: Uncertain significance. Last evaluated: 2024-09-12. Review status: criteria provided, single submitter. Criteria: Ambry Variant Classification Scheme 2023. Collection method: clinical testing. Allele origin: germline.
Comment: The p.E1485Q variant (also known as c.4453G>C), located in coding exon 4 of the ALPK2 gene, results from a G to C substitution at nucleotide position 4453. The glutamic acid at codon 1485 is replaced by glutamine, an amino acid with highly similar properties. This amino acid position is conserved. In addition, this alteration is predicted to be tolerated by in silico analysis. Since supporting evidence is limited at this time, the clinical significance of this alteration remains unclear.